The following is an entry in ClinVar:

ClinVar aggregate classification (germline): Uncertain significance (1 of 4 stars; one submission).

Submission:

Labcorp Genetics (formerly Invitae), Labcorp
Classification: Uncertain significance. Last evaluated: 2021-08-30. Review status: criteria provided, single submitter. Criteria: Invitae Variant Classification Sherloc (09022015). Collection method: clinical testing. Allele origin: germline.
Comment: This sequence change replaces serine with threonine at codon 113 of the RINT1 protein (p.Ser113Thr). The serine residue is moderately conserved and there is a small physicochemical difference between serine and threonine. This variant is not present in population databases (ExAC no frequency). This variant has not been reported in the literature in individuals affected with RINT1-related conditions. Algorithms developed to predict the effect of missense changes on protein structure and function (SIFT, PolyPhen-2, Align-GVGD) all suggest that this variant is likely to be tolerated. In summary, the available evidence is currently insufficient to determine the role of this variant in disease. Therefore, it has been classified as a Variant of Uncertain Significance.

NM_021930.6(RINT1):c.337T>A (p.Ser113Thr)

Gene: RINT1 (RAD50 interactor 1; plus strand). Cytogenetic location: 7q22.3.
Variant type: single nucleotide variant.
Coding change: c.337T>A on transcript NM_021930.6 (MANE Select); coding-DNA position 337, T replaced by A.
Protein change: p.Ser113Thr; replaces serine 113 with threonine.
Molecular consequence: missense variant. On other transcripts: 5 prime UTR variant (3), non-coding transcript variant (1).
Genome position (GRCh38, 1-based): chr7:105,542,471, T>A. VCF-style: chr7-105542471-T-A. GRCh37 (hg19) VCF-style: chr7-105182918-T-A.
Other names: c.103T>A, p.Ser35Thr (NM_001346599.2); c.-683T>A (NM_001346600.2); c.-586T>A (NM_001346601.2); c.-206T>A (NM_001346603.2); short protein forms S35T, S113T.
Identifiers: ClinVar variation 1516307 (VCV001516307.6), dbSNP rs2133373236, ClinGen allele CA368803062.